The following is an entry in ClinVar:

NC_000007.14:g.107563947G>A

Gene: COG5 (component of oligomeric golgi complex 5; minus strand). Cytogenetic location: 7q22.3.
Variant type: single nucleotide variant.
Genome position: GRCh38 VCF-style: chr7-107563947-G-A. GRCh37 (hg19) VCF-style: chr7-107204392-G-A.
Other names: short protein forms P15S.
Identifiers: ClinVar variation 1433647 (VCV001433647.6), dbSNP rs765560840, ClinGen allele CA4431612.
Genomic context (GRCh38, chr7:107,563,947, plus strand): 5'-CACCTTCCATGTTGGCAGGTGCCGGGTTGATGTCGTCAGCAGCAGAACGGCTCCGCCCAG[G>A]TGGTGACGCAGAATCCCGGCGCCGCCCGCCCACCCAGCCCATGGCTCCAGGCCCACCTGG-3'

ClinVar aggregate classification (germline): Uncertain significance. Review status: criteria provided, multiple submitters, no conflicts (2 of 4 stars). 2 submissions from 2 submitters: Uncertain significance (2). Last evaluated 2024-05-13.

Conditions:
Inborn genetic diseases. Identifiers: MedGen C0950123, MeSH D030342.
COG5-congenital disorder of glycosylation. Also called: COG5-CDG; CDG IIi; CONGENITAL DISORDER OF GLYCOSYLATION, TYPE IIi. Identifiers: Orphanet 263487, MedGen C3150876, MONDO:0013325, OMIM 613612.

Allele frequency attached by ClinVar (database versions not stated): gnomAD exomes 0.00001; TOPMed 0.00002; ExAC 0.00001.

Submissions (2):

Ambry Genetics
Classification: Uncertain significance for Inborn genetic diseases. Last evaluated: 2024-05-13. Review status: criteria provided, single submitter. Criteria: Ambry Variant Classification Scheme 2023. Collection method: clinical testing. Allele origin: germline.

Labcorp Genetics (formerly Invitae), Labcorp
Classification: Uncertain significance for COG5-congenital disorder of glycosylation. Last evaluated: 2021-12-31. Review status: criteria provided, single submitter. Criteria: Invitae Variant Classification Sherloc (09022015). Collection method: clinical testing. Allele origin: germline.
Comment: This sequence change replaces proline, which is neutral and non-polar, with serine, which is neutral and polar, at codon 15 of the COG5 protein (p.Pro15Ser). This variant is present in population databases (rs765560840, gnomAD 0.006%). This variant has not been reported in the literature in individuals affected with COG5-related conditions. Algorithms developed to predict the effect of missense changes on protein structure and function output the following: SIFT: "Tolerated"; PolyPhen-2: "Possibly Damaging"; Align-GVGD: "Class C0". The serine amino acid residue is found in multiple mammalian species, which suggests that this missense change does not adversely affect protein function. In summary, the available evidence is currently insufficient to determine the role of this variant in disease. Therefore, it has been classified as a Variant of Uncertain Significance.